The following is an entry in ClinVar:

ClinVar aggregate classification (germline): Uncertain significance (1 of 4 stars; one submission).

Allele frequency attached by ClinVar (database versions not stated): gnomAD 0.00001; gnomAD exomes 0.00001; ExAC 0.00006.
gnomAD v4.1: 11 of 1,538,810 alleles (0.00071%); highest among the groups gnomAD compares: South Asian, 0.011%; no homozygotes.

Submission:

Labcorp Genetics (formerly Invitae), Labcorp
Classification: Uncertain significance. Last evaluated: 2022-10-04. Review status: criteria provided, single submitter. Criteria: Invitae Variant Classification Sherloc (09022015). Collection method: clinical testing. Allele origin: germline.
Comment: The frequency data for this variant in the population databases is considered unreliable, as metrics indicate poor data quality at this position in the gnomAD database. This variant has not been reported in the literature in individuals affected with P3H2-related conditions. Advanced modeling of protein sequence and biophysical properties (such as structural, functional, and spatial information, amino acid conservation, physicochemical variation, residue mobility, and thermodynamic stability) performed at Invitae indicates that this missense variant is not expected to disrupt P3H2 protein function. In summary, the available evidence is currently insufficient to determine the role of this variant in disease. Therefore, it has been classified as a Variant of Uncertain Significance. This sequence change replaces tyrosine, which is neutral and polar, with cysteine, which is neutral and slightly polar, at codon 56 of the P3H2 protein (p.Tyr56Cys).

NM_018192.4(P3H2):c.167A>G (p.Tyr56Cys)

Gene: P3H2 (prolyl 3-hydroxylase 2; minus strand). Cytogenetic location: 3q28.
Variant type: single nucleotide variant.
Coding change: c.167A>G on transcript NM_018192.4 (MANE Select); coding-DNA position 167, A replaced by G.
Protein change: p.Tyr56Cys; replaces tyrosine 56 with cysteine.
Molecular consequence: missense variant. On other transcripts: intron variant (1).
Genome position (GRCh38, 1-based): chr3:190,120,565, T>C on the plus strand (A>G on the coding strand, the complement: P3H2 is on the minus strand). VCF-style: chr3-190120565-T-C. GRCh37 (hg19) VCF-style: chr3-189838354-T-C.
Other names: c.-64+1638A>G (NM_001134418.2); short protein forms Y56C.
Identifiers: ClinVar variation 1938790 (VCV001938790.5), dbSNP rs755056740, ClinGen allele CA2753417.